The following is an entry in ClinVar:

NM_177438.3(DICER1):c.2867_2869delinsAA (p.Pro956fs)

Gene: DICER1 (dicer 1, ribonuclease III; minus strand). Cytogenetic location: 14q32.13.
Variant type: Indel.
Coding change: c.2867_2869delinsAA on transcript NM_177438.3 (MANE Select); coding-DNA positions 2867 to 2869, CAC replaced by AA.
Protein change: p.Pro956fs; shifts the reading frame from proline 956.
Molecular consequence: frameshift variant.
Genome position (GRCh38, 1-based): chr14:95,106,159-95,106,161, GTG replaced by TT on the plus strand (CAC replaced by AA on the coding strand, the reverse complement: DICER1 is on the minus strand). VCF-style: chr14-95106159-GTG-TT. GRCh37 (hg19) VCF-style: chr14-95572496-GTG-TT.
Other names: c.2867_2869delinsAA, p.Pro956fs (NM_001195573.1, NM_001271282.3, NM_001291628.2 and 1 more transcripts); c.2867_2869delCACinsAA (NM_177438.2); short protein forms P956fs.
Identifiers: ClinVar variation 254313 (VCV000254313.11), dbSNP rs886037694, ClinGen allele CA10586437.

ClinVar aggregate classification (germline): Pathogenic. Review status: criteria provided, multiple submitters, no conflicts (2 of 4 stars). 5 submissions from 5 submitters: Pathogenic (5). Last evaluated 2025-05-07.

Conditions:
DICER1-related disorder. Also called: DICER1-related condition.
DICER1-related tumor predisposition. Also called: DICER1-related pleuropulmonary blastoma cancer predisposition syndrome; DICER1 syndrome. Identifiers: Orphanet 284343, MedGen C3839822, MONDO:0100216.
Hereditary cancer-predisposing syndrome. Also called: Hereditary Cancer Syndrome; Tumor predisposition; Hereditary neoplastic syndrome; Neoplastic Syndromes, Hereditary. Identifiers: Orphanet 140162, MedGen C0027672, MeSH D009386, MONDO:0015356.

Submissions (5):

Ambry Genetics
Classification: Pathogenic for Hereditary cancer-predisposing syndrome. Last evaluated: 2025-05-07. Review status: criteria provided, single submitter. Criteria: Ambry Variant Classification Scheme 2023. Collection method: clinical testing. Allele origin: germline.
Comment: The c.2867_2869delCACinsAA pathogenic mutation, located in coding exon 17 of the DICER1 gene, results from the deletion of 3 nucleotides and insertion of two nucleotides causing a translational frameshift with a predicted alternate stop codon (p.P956Qfs*25). This variant was reported in individual(s) with features consistent with DICER1-related tumor predisposition syndrome (Brenneman M et al. F1000Res, 2015 Jul;4:214). This variant is considered to be rare based on population cohorts in the Genome Aggregation Database (gnomAD). This alteration is expected to result in loss of function by premature protein truncation or nonsense-mediated mRNA decay. As such, this alteration is interpreted as a disease-causing mutation.

Labcorp Genetics (formerly Invitae), Labcorp
Classification: Pathogenic for DICER1-related tumor predisposition. Last evaluated: 2024-02-11. Review status: criteria provided, single submitter. Criteria: Invitae Variant Classification Sherloc (09022015). Collection method: clinical testing. Allele origin: germline.
Comment: This sequence change creates a premature translational stop signal (p.Pro956Glnfs*25) in the DICER1 gene. It is expected to result in an absent or disrupted protein product. Loss-of-function variants in DICER1 are known to be pathogenic (PMID: 19556464, 21266384). Information on the frequency of this variant in the gnomAD database is not available, as this variant may be reported differently in the database. This premature translational stop signal has been observed in individual(s) with pleuropulmonary blastoma (PMID: 26925222). For these reasons, this variant has been classified as Pathogenic.

Blueprint Genetics
Classification: Pathogenic for DICER1-related disorders. Last evaluated: 2021-12-13. Review status: criteria provided, single submitter. Criteria: ACMG Guidelines, 2015. Collection method: clinical testing. Allele origin: germline. Affected: yes. Observed: 1 variant allele.

Foulkes Cancer Genetics LDI, Lady Davis Institute for Medical Research
Classification: Pathogenic for Pleuropulmonary blastoma. Last evaluated: 2019-07-01. Review status: criteria provided, single submitter. Criteria: ACMG Guidelines, 2015. Collection method: curation. Allele origin: germline. Affected: yes. Observed: 1 variant allele.
Comment: ACMG criteria met: PVS1, PM2, PP4

International Pleuropulmonary Blastoma Registry, Children's Hospitals and Clinics of Minnesota
Classification: Pathogenic for Pleuropulmonary blastoma. Last evaluated: 2014-11-10. Review status: criteria provided, single submitter. Criteria: Hill et al. (Science. 2009). Collection method: clinical testing. Allele origin: germline. Affected: yes. Study: PPB-DICER1 Genetic study.

Literature cited by the submitters: PubMed 26925222 (cited by 4 submitters); PubMed 19556464 (cited by Labcorp Genetics (formerly Invitae), Labcorp); PubMed 21266384 (cited by Labcorp Genetics (formerly Invitae), Labcorp).